The following is an entry in ClinVar:

ClinVar aggregate classification (germline): Benign/Likely benign. Review status: criteria provided, multiple submitters, no conflicts (2 of 4 stars). 10 submissions from 10 submitters: Benign (4); Likely benign (3). 3 of the submissions do not count toward it. Last evaluated 2026-01-20.

Conditions:
Treacher Collins syndrome 1 (TCS1). Also called: TCOF1-Related Treacher Collins Syndrome. Identifiers: Orphanet 861, MedGen CN315775, MONDO:0007944, OMIM 154500.
TCOF1-related disorder. Also called: TCOF1-related condition.

Allele frequency attached by ClinVar (database versions not stated): ESP Exome Variant Server 0.00185; gnomAD 0.00198 and 0.00205; TOPMed 0.00239; 1000 Genomes Project 30x 0.00297; 1000 Genomes Project 0.00300.
gnomAD v4.1: 1,115 of 1,614,118 alleles (0.069%); highest among the groups gnomAD compares: African/African-American, 0.6%; 3 homozygotes.

Submissions (10):

Labcorp Genetics (formerly Invitae), Labcorp
Classification: Benign for Treacher Collins syndrome 1. Last evaluated: 2026-01-20. Review status: criteria provided, single submitter. Criteria: Invitae Variant Classification Sherloc (09022015). Collection method: clinical testing. Allele origin: germline.

Blueprint Genetics
Classification: Likely benign. Last evaluated: 2024-10-14. Review status: criteria provided, single submitter. Criteria: ACMG Guidelines, 2015. Collection method: clinical testing. Allele origin: germline.

CeGaT Center for Human Genetics Tuebingen
Classification: Benign. Last evaluated: 2023-03-01. Review status: criteria provided, single submitter. Criteria: CeGaT Center For Human Genetics Tuebingen Variant Classification Criteria Version 2. Collection method: clinical testing. Allele origin: germline. Affected: yes. Observed: 3 variant alleles.
Comment: TCOF1: BP4, BS1, BS2

GeneDx
Classification: Benign. Last evaluated: 2020-02-04. Review status: criteria provided, single submitter. Criteria: GeneDx Variant Classification Process June 2021. Collection method: clinical testing. Allele origin: germline. Affected: yes.

Eurofins Ntd Llc (ga)
Classification: Benign. Last evaluated: 2018-07-06. Review status: criteria provided, single submitter. Criteria: EGL ClinVar v180209 classification definitions. Collection method: clinical testing. Allele origin: germline. Observed: 1 variant allele, 1 heterozygote.

Genetic Services Laboratory, University of Chicago
Classification: Likely benign. Last evaluated: 2017-01-18. Review status: criteria provided, single submitter. Criteria: ACMG Guidelines, 2015. Collection method: clinical testing. Allele origin: germline. Affected: no.

Breakthrough Genomics
Classification: Likely benign. Review status: criteria provided, single submitter. Criteria: ACMG Guidelines, 2015. Collection method: not provided. Allele origin: germline. Inheritance: Autosomal dominant inheritance. Affected: yes.

PreventionGenetics, part of Exact Sciences
Classification: Benign for TCOF1-related condition. Last evaluated: 2019-05-30. Review status: no assertion criteria provided. Collection method: clinical testing. Allele origin: germline. Not counted in ClinVar's aggregate classification.
Comment: This variant is classified as benign based on ACMG/AMP sequence variant interpretation guidelines (Richards et al. 2015 PMID: 25741868, with internal and published modifications).

Clinical Genetics DNA and cytogenetics Diagnostics Lab, Erasmus MC, Erasmus Medical Center
Classification: Likely benign. Review status: no assertion criteria provided. Collection method: clinical testing. Allele origin: germline. Affected: yes. Study: VKGL Data-share Consensus. Not counted in ClinVar's aggregate classification.

Laboratory of Diagnostic Genome Analysis, Leiden University Medical Center (LUMC)
Classification: Likely benign. Review status: no assertion criteria provided. Collection method: clinical testing. Allele origin: germline. Affected: yes. Study: VKGL Data-share Consensus. Not counted in ClinVar's aggregate classification.

NM_001371623.1(TCOF1):c.3712G>A (p.Ala1238Thr)

Gene: TCOF1 (treacle ribosome biogenesis factor 1; plus strand). Cytogenetic location: 5q32.
Variant type: single nucleotide variant.
Coding change: c.3712G>A on transcript NM_001371623.1 (MANE Select); coding-DNA position 3712, G replaced by A.
Protein change: p.Ala1238Thr; replaces alanine 1238 with threonine.
Molecular consequence: missense variant.
Genome position (GRCh38, 1-based): chr5:150,393,480, G>A. VCF-style: chr5-150393480-G-A. GRCh37 (hg19) VCF-style: chr5-149773043-G-A.
Other names: c.3478G>A, p.Ala1160Thr (NM_000356.4); c.3709G>A, p.Ala1237Thr (NM_001135243.2); c.3598G>A, p.Ala1200Thr (NM_001135244.2); c.3481G>A, p.Ala1161Thr (NM_001135245.2); c.3595G>A, p.Ala1199Thr (NM_001195141.2); short protein forms A1237T, A1160T, A1161T, A1199T, A1200T, A1238T.
Identifiers: ClinVar variation 352232 (VCV000352232.50), dbSNP rs137960641, ClinGen allele CA3511580.